The following is an entry in ClinVar:

ClinVar aggregate classification (germline): Uncertain significance (1 of 4 stars; one submission).

Submission:

Women's Health and Genetics/Laboratory Corporation of America, LabCorp
Classification: Uncertain significance. Last evaluated: 2024-02-27. Review status: criteria provided, single submitter. Criteria: LabCorp Variant Classification Summary - May 2015. Collection method: clinical testing. Allele origin: germline.
Comment: Variant summary: PHEX c.1481C>G (p.Ala494Gly) results in a non-conservative amino acid change in the encoded protein sequence. Four of five in-silico tools predict a benign effect of the variant on protein function. Consensus agreement among computation tools predict no significant impact on normal splicing. However, these predictions have yet to be confirmed by functional studies. The variant was absent in 182834 control chromosomes. The available data on variant occurrences in the general population are insufficient to allow any conclusion about variant significance. To our knowledge, no occurrence of c.1481C>G in individuals affected with X-Linked Hypophosphatemic Rickets and no experimental evidence demonstrating its impact on protein function have been reported. No submitters have cited clinical-significance assessments for this variant to ClinVar. Based on the evidence outlined above, the variant was classified as uncertain significance.

NM_000444.6(PHEX):c.1481C>G (p.Ala494Gly)

Genes: PHEX (phosphate regulating endopeptidase X-linked; plus strand), PHEX-AS1 (PHEX antisense RNA 1; minus strand). Cytogenetic location: Xp22.11.
Variant type: single nucleotide variant.
Coding change: c.1481C>G on transcript NM_000444.6 (MANE Select); coding-DNA position 1481, C replaced by G.
Protein change: p.Ala494Gly; replaces alanine 494 with glycine.
Molecular consequence: missense variant.
Genome position (GRCh38, 1-based): chrX:22,168,388, C>G. VCF-style: chrX-22168388-C-G. GRCh37 (hg19) VCF-style: chrX-22186505-C-G.
Other names: c.1481C>G, p.Ala494Gly (NM_001282754.2); short protein forms A494G.
Identifiers: ClinVar variation 3068875 (VCV003068875.2), dbSNP rs747180101, ClinGen allele CA412574114.
Genomic context (GRCh38, chrX:22,168,388, plus strand): 5'-CAAAAGTTGGCTATCCAGAGTTTATAATGAATGATACTCATGTTAATGAAGACCTCAAAG[C>G]TGTAAGTGCTAAATTTACTGTACTTTTTTTTTTCTGGCAAGTTTTACTGGCCTTGTGCCT-3'
Protein context (NP_000435.3, residues 484-504): NDTHVNEDLK[Ala494Gly]IKFSEADYFG